The following is an entry in ClinVar:

ClinVar aggregate classification (germline): Pathogenic (1 of 4 stars; one submission).

Conditions:
Mucopolysaccharidosis, MPS-II (MPS2). Also called: Hunter Syndrome; IDURONATE 2-SULFATASE DEFICIENCY; Mucopolysaccharidosis Type II; Mucopolysaccharidosis type 2; Attenuated MPS (subtype; formerly known as mild MPS II); Severe MPS II. Identifiers: Orphanet 580, Orphanet 79388, MedGen C0026705, MONDO:0010674, OMIM 309900.

Submissions (2):

Laboratory of Diagnosis and Therapy of Lysosomal Disorders, University of Padova
Classification: Pathogenic for Mucopolysaccharidosis, MPS-II. Last evaluated: 2024-06-07. Review status: criteria provided, single submitter. Criteria: ACMG Guidelines, 2015. Collection method: literature only. Allele origin: germline. Affected: yes. Observed: 3 variant alleles.
Comment: Null variant (PVS1_Strong), Absent from controls (or at low frequency) in gnomAD database (PM2_Moderate), Patient’s phenotype or family history highly specific for the disease (PP4_Strong)

Classification method: ACMG Guidelines [PMID:25741868] with modifications

Dr. Peter K. Rogan Lab, Western University
No classification provided (evidence only). Condition: Nonpapillary renal cell carcinoma. Review status: no classification provided. Collection method: in vitro. Allele origin: not applicable. Functional consequence: retained intron. Not counted in ClinVar's aggregate classification.

Literature cited by the submitters: PubMed 35005816 (cited by Laboratory of Diagnosis and Therapy of Lysosomal Disorders, University of Padova); PubMed 33960103 (cited by Laboratory of Diagnosis and Therapy of Lysosomal Disorders, University of Padova).

NM_000202.8(IDS):c.1181-2A>G

Gene: IDS (iduronate 2-sulfatase; minus strand). Cytogenetic location: Xq28.
Variant type: single nucleotide variant.
Coding change: c.1181-2A>G on transcript NM_000202.8 (MANE Select); the canonical splice acceptor site of the intron before coding-DNA position 1181, A replaced by G.
Molecular consequence: splice acceptor variant.
Genome position (GRCh38, 1-based): chrX:149,483,220, T>C on the plus strand (A>G on the coding strand, the complement: IDS is on the minus strand). VCF-style: chrX-149483220-T-C. GRCh37 (hg19) VCF-style: chrX-148564751-T-C.
Other names: NC_000023.10:g.148564751T>C; c.911-2A>G (NM_001166550.4).
Identifiers: ClinVar variation 3255980 (VCV003255980.3).